The following is an entry in ClinVar:

ClinVar aggregate classification (germline): Uncertain significance (1 of 4 stars; one submission).

Conditions:
Atrial fibrillation, familial, 6 (ATFB6). Identifiers: MedGen C2677294, MONDO:0012816, OMIM 612201.

Submission:

Labcorp Genetics (formerly Invitae), Labcorp
Classification: Uncertain significance for Atrial fibrillation, familial, 6. Last evaluated: 2022-12-16. Review status: criteria provided, single submitter. Criteria: Invitae Variant Classification Sherloc (09022015). Collection method: clinical testing. Allele origin: germline.
Comment: Algorithms developed to predict the effect of missense changes on protein structure and function are either unavailable or do not agree on the potential impact of this missense change (SIFT: "Deleterious"; PolyPhen-2: "Possibly Damaging"; Align-GVGD: "Class C0"). This sequence change replaces alanine, which is neutral and non-polar, with threonine, which is neutral and polar, at codon 25 of the NPPA protein (p.Ala25Thr). This variant is not present in population databases (gnomAD no frequency). This variant has not been reported in the literature in individuals affected with NPPA-related conditions. In summary, the available evidence is currently insufficient to determine the role of this variant in disease. Therefore, it has been classified as a Variant of Uncertain Significance.

NM_006172.4(NPPA):c.73G>A (p.Ala25Thr)

Genes: NPPA (natriuretic peptide A; minus strand), NPPA-AS1 (NPPA antisense RNA 1; plus strand), LOC114827827 (VISTA enhancer hs2123; plus strand). Cytogenetic location: 1p36.22.
Variant type: single nucleotide variant.
Coding change: c.73G>A on transcript NM_006172.4 (MANE Select); coding-DNA position 73, G replaced by A.
Protein change: p.Ala25Thr; replaces alanine 25 with threonine.
Molecular consequence: missense variant. On other transcripts: non-coding transcript variant (1).
Genome position (GRCh38, 1-based): chr1:11,847,612, C>T on the plus strand (G>A on the coding strand, the complement: NPPA is on the minus strand). VCF-style: chr1-11847612-C-T. GRCh37 (hg19) VCF-style: chr1-11907669-C-T.
Other names: short protein forms A25T.
Identifiers: ClinVar variation 2815984 (VCV002815984.3), dbSNP rs763082246, ClinGen allele CA338451899.